The following is an entry in ClinVar:

ClinVar aggregate classification (germline): Uncertain significance (1 of 4 stars; one submission).

Conditions:
Oligosynaptic infertility (SPGF1). Also called: SPERMATOGENIC FAILURE 1; OLIGOCHIASMATIC INFERTILITY. Identifiers: MedGen C0403810, MONDO:0009776, OMIM 258150.
46 XY differences of sex development. Also called: 46, XY disorder of sex development (DSD); 46,XY disorder of sex development. Identifiers: Orphanet 98085, MedGen C2751824, MONDO:0020040.

Submission:

Labcorp Genetics (formerly Invitae), Labcorp
Classification: Uncertain significance for 46 XY differences of sex development; Oligosynaptic infertility. Last evaluated: 2024-02-15. Review status: criteria provided, single submitter. Criteria: Invitae Variant Classification Sherloc (09022015). Collection method: clinical testing. Allele origin: germline.
Comment: This sequence change replaces glycine, which is neutral and non-polar, with valine, which is neutral and non-polar, at codon 321 of the NR5A1 protein (p.Gly321Val). This variant is not present in population databases (gnomAD no frequency). This missense change has been observed in individuals with NR5A1-related conditions (PMID: 33351340; Invitae). Advanced modeling of protein sequence and biophysical properties (such as structural, functional, and spatial information, amino acid conservation, physicochemical variation, residue mobility, and thermodynamic stability) performed at Invitae indicates that this missense variant is not expected to disrupt NR5A1 protein function with a negative predictive value of 80%. Algorithms developed to predict the effect of sequence changes on RNA splicing suggest that this variant may disrupt the consensus splice site. In summary, the available evidence is currently insufficient to determine the role of this variant in disease. Therefore, it has been classified as a Variant of Uncertain Significance.

Literature cited by the submitters: PubMed 33351340.

NM_004959.5(NR5A1):c.962G>T (p.Gly321Val)

Gene: NR5A1 (nuclear receptor subfamily 5 group A member 1; minus strand). Cytogenetic location: 9q33.3.
Variant type: single nucleotide variant.
Coding change: c.962G>T on transcript NM_004959.5 (MANE Select); coding-DNA position 962, G replaced by T.
Protein change: p.Gly321Val; replaces glycine 321 with valine.
Molecular consequence: missense variant.
Genome position (GRCh38, 1-based): chr9:124,493,058, C>A on the plus strand (G>T on the coding strand, the complement: NR5A1 is on the minus strand). VCF-style: chr9-124493058-C-A. GRCh37 (hg19) VCF-style: chr9-127255337-C-A.
Other names: short protein forms G321V.
Identifiers: ClinVar variation 3749634 (VCV003749634.2).